The following is an entry in ClinVar:

ClinVar aggregate classification (germline): Benign/Likely benign. Review status: criteria provided, multiple submitters, no conflicts (2 of 4 stars). 12 submissions from 11 submitters: Benign (8); Likely benign (4). Last evaluated 2026-02-02.

Conditions:
Familial thoracic aortic aneurysm and aortic dissection (TAAD). Also called: Thoracic aortic aneurysms and dissections. Identifiers: Orphanet 91387, MedGen C4707243, MONDO:0019625.
Lissencephaly 4 (LIS4). Also called: Lissencephaly 4 (with microcephaly). Identifiers: Orphanet 1083, MedGen C3151461, MONDO:0013527, OMIM 614019.
Aortic aneurysm, familial thoracic 4 (AAT4). Also called: AORTIC ANEURYSM/AORTIC DISSECTION AND PATENT DUCTUS ARTERIOSUS. Identifiers: MedGen C1851504, MONDO:0007568, OMIM 132900.

Allele frequency attached by ClinVar (database versions not stated): gnomAD exomes 0.00052 and 0.00146; ExAC 0.00171; 1000 Genomes Project 0.00519; 1000 Genomes Project 30x 0.00531; gnomAD 0.00556 and 0.00600; TOPMed 0.00630; ESP Exome Variant Server 0.00677.
gnomAD v4.1: 1,615 of 1,614,112 alleles (0.1%); highest among the groups gnomAD compares: African/African-American, 2%; 15 homozygotes.

Submissions (12):

Labcorp Genetics (formerly Invitae), Labcorp
Classification: Benign for Aortic aneurysm, familial thoracic 4. Last evaluated: 2026-02-02. Review status: criteria provided, single submitter. Criteria: Invitae Variant Classification Sherloc (09022015). Collection method: clinical testing. Allele origin: germline.

Molecular Diagnostic Laboratory for Inherited Cardiovascular Disease, Montreal Heart Institute
Classification: Likely benign. Last evaluated: 2025-04-09. Review status: criteria provided, single submitter. Criteria: ACMG Guidelines, 2015. Collection method: clinical testing. Allele origin: germline. Affected: no.
Comment: BS1, BP6

ARUP Laboratories, Molecular Genetics and Genomics, ARUP Laboratories
Classification: Likely benign. Last evaluated: 2025-01-27. Review status: criteria provided, single submitter. Criteria: ARUP Molecular Germline Variant Investigation Process 2024. Collection method: clinical testing. Allele origin: germline.

Blueprint Genetics
Classification: Likely benign. Last evaluated: 2024-10-15. Review status: criteria provided, single submitter. Criteria: ACMG Guidelines, 2015. Collection method: clinical testing. Allele origin: germline.

CHEO Genetics Diagnostic Laboratory, Children's Hospital of Eastern Ontario
Classification: Benign for Familial thoracic aortic aneurysm and aortic dissection. Last evaluated: 2022-07-19. Review status: criteria provided, single submitter. Criteria: ACMG Guidelines, 2015. Collection method: clinical testing. Allele origin: germline. Study: Canadian Open Genetics Repository.

Women's Health and Genetics/Laboratory Corporation of America, LabCorp
Classification: Benign. Last evaluated: 2019-01-28. Review status: criteria provided, single submitter. Criteria: LabCorp Variant Classification Summary - May 2015. Collection method: clinical testing. Allele origin: germline.
Comment: Variant summary: MYH11 c.3970C>A (p.Leu1324Ile) results in a conservative amino acid change located in the Myosin tail domain of the encoded protein sequence. Three of five in-silico tools predict a benign effect of the variant on protein function. The variant allele was found at a frequency of 0.0018 in 276966 control chromosomes in the gnomAD database, including 3 homozygotes. The observed variant frequency is approximately 1464 fold of the estimated maximal expected allele frequency for a pathogenic variant in MYH11 causing Aortopathy phenotype (1.3e-06), strongly suggesting that the variant is benign. To our knowledge, no occurrence of c.3970C>A in individuals affected with Aortopathy and no experimental evidence demonstrating its impact on protein function have been reported. Two clinical diagnostic laboratories have submitted clinical-significance assessments for this variant to ClinVar after 2014 without evidence for independent evaluation. One laboratory classified the variant as benign, and one laboratory classified the variant as uncertain significance. Based on the evidence outlined above, the variant was classified as benign.

Color Diagnostics, LLC DBA Color Health
Classification: Benign for Familial thoracic aortic aneurysm and aortic dissection. Last evaluated: 2018-03-07. Review status: criteria provided, single submitter. Criteria: ACMG Guidelines, 2015. Collection method: clinical testing. Allele origin: germline.

Illumina Laboratory Services, Illumina
Classification: Likely benign for Aortic aneurysm, familial thoracic 4. Last evaluated: 2018-01-13. Review status: criteria provided, single submitter. Criteria: ICSL Variant Classification Criteria 13 December 2019. Collection method: clinical testing. Allele origin: germline.
Comment: This variant was observed in the ICSL laboratory as part of a predisposition screen in an ostensibly healthy population. It had not been previously curated by ICSL or reported in the Human Gene Mutation Database (HGMD: prior to June 1st, 2018), and was therefore a candidate for classification through an automated scoring system. Utilizing variant allele frequency, disease prevalence and penetrance estimates, and inheritance mode, an automated score was calculated to assess if this variant is too frequent to cause the disease. Based on the score and internal cut-off values, a variant classified as likely benign is not then subjected to further curation. The score for this variant resulted in a classification of likely benign for this disease.

Illumina Laboratory Services, Illumina
Classification: Benign for Lissencephaly 4. Last evaluated: 2018-01-13. Review status: criteria provided, single submitter. Criteria: ICSL Variant Classification Criteria 13 December 2019. Collection method: clinical testing. Allele origin: germline.
Comment: This variant was observed in the ICSL laboratory as part of a predisposition screen in an ostensibly healthy population. It had not been previously curated by ICSL or reported in the Human Gene Mutation Database (HGMD: prior to June 1st, 2018), and was therefore a candidate for classification through an automated scoring system. Utilizing variant allele frequency, disease prevalence and penetrance estimates, and inheritance mode, an automated score was calculated to assess if this variant is too frequent to cause the disease. Based on the score and internal cut-off values, a variant classified as benign is not then subjected to further curation. The score for this variant resulted in a classification of benign for this disease.

Ambry Genetics
Classification: Benign for Familial thoracic aortic aneurysm and aortic dissection. Last evaluated: 2014-10-06. Review status: criteria provided, single submitter. Criteria: Ambry Variant Classification Scheme 2023. Collection method: clinical testing. Allele origin: germline.

GeneDx
Classification: Benign. Last evaluated: 2014-06-17. Review status: criteria provided, single submitter. Criteria: GeneDx Variant Classification (06012015). Collection method: clinical testing. Allele origin: germline. Affected: yes.
Comment: This variant is considered likely benign or benign based on one or more of the following criteria: it is a conservative change, it occurs at a poorly conserved position in the protein, it is predicted to be benign by multiple in silico algorithms, and/or has population frequency not consistent with disease.

PreventionGenetics, part of Exact Sciences
Classification: Benign. Review status: criteria provided, single submitter. Criteria: ACMG Guidelines, 2015. Collection method: clinical testing. Allele origin: germline.

NM_002474.3(MYH11):c.3949C>A (p.Leu1317Ile)

Genes: MYH11 (myosin heavy chain 11; minus strand), NDE1 (nudE neurodevelopment protein 1; plus strand). Cytogenetic location: 16p13.11.
Variant type: single nucleotide variant.
Coding change: c.3949C>A on transcript NM_002474.3 (MANE Select); coding-DNA position 3949, C replaced by A.
Protein change: p.Leu1317Ile; replaces leucine 1317 with isoleucine.
Molecular consequence: missense variant. On other transcripts: 3 prime UTR variant (2).
Genome position (GRCh38, 1-based): chr16:15,724,902, G>T on the plus strand (C>A on the coding strand, the complement: MYH11 is on the minus strand). VCF-style: chr16-15724902-G-T. GRCh37 (hg19) VCF-style: chr16-15818759-G-T.
Other names: p.L1317I:CTC>ATC; c.3970C>A, p.Leu1324Ile (NM_001040113.2, NM_001040114.2); c.3949C>A, p.Leu1317Ile (NM_022844.3); c.*651G>T (NM_001143979.2, NM_017668.3); short protein forms L1317I, L1324I.
Identifiers: ClinVar variation 201031 (VCV000201031.37), dbSNP rs141159831, ClinGen allele CA306455.